The following is an entry in ClinVar:

ClinVar aggregate classification (germline): Benign (1 of 4 stars; one submission).

Allele frequency attached by ClinVar (database versions not stated): gnomAD 0.00009; gnomAD exomes 0.00010; TOPMed 0.00015; 1000 Genomes Project 30x 0.00016; ExAC 0.00018; 1000 Genomes Project 0.00020.

Submission:

CeGaT Center for Human Genetics Tuebingen
Classification: Benign. Last evaluated: 2022-08-01. Review status: criteria provided, single submitter. Criteria: CeGaT Center For Human Genetics Tuebingen Variant Classification Criteria Version 2. Collection method: clinical testing. Allele origin: germline. Affected: yes. Observed: 1 variant allele.
Comment: NR4A2: BS1, BS2

NM_006186.4(NR4A2):c.717C>T (p.His239=)

Gene: NR4A2 (nuclear receptor subfamily 4 group A member 2; minus strand). Cytogenetic location: 2q24.1.
Variant type: single nucleotide variant.
Coding change: c.717C>T on transcript NM_006186.4 (MANE Select); coding-DNA position 717, C replaced by T.
Protein change: p.His239=; no amino-acid change (histidine 239 retained).
Molecular consequence: synonymous variant.
Genome position (GRCh38, 1-based): chr2:156,329,470, G>A on the plus strand (C>T on the coding strand, the complement: NR4A2 is on the minus strand). VCF-style: chr2-156329470-G-A. GRCh37 (hg19) VCF-style: chr2-157185982-G-A.
Other names: c.528C>T, p.His176= (NM_173173.3).
Identifiers: ClinVar variation 2651442 (VCV002651442.24), dbSNP rs562538520, ClinGen allele CA1916395.